The following is an entry in ClinVar:

NM_000264.5(PTCH1):c.3743G>C (p.Gly1248Ala)

Gene: PTCH1 (patched 1; minus strand). Cytogenetic location: 9q22.32.
Variant type: single nucleotide variant.
Coding change: c.3743G>C on transcript NM_000264.5 (MANE Select); coding-DNA position 3743, G replaced by C.
Protein change: p.Gly1248Ala; replaces glycine 1248 with alanine.
Molecular consequence: missense variant. On other transcripts: non-coding transcript variant (1).
Genome position (GRCh38, 1-based): chr9:95,449,130, C>G on the plus strand (G>C on the coding strand, the complement: PTCH1 is on the minus strand). VCF-style: chr9-95449130-C-G. GRCh37 (hg19) VCF-style: chr9-98211412-C-G.
Other names: c.3545G>C, p.Gly1182Ala (NM_001083602.3); c.3740G>C, p.Gly1247Ala (NM_001083603.3); c.3290G>C, p.Gly1097Ala (NM_001083604.3, NM_001083605.3, NM_001083606.3 and 1 more transcripts); c.3587G>C, p.Gly1196Ala (NM_001354918.2); short protein forms G1248A, G1182A, G1097A, G1196A, G1247A.
Identifiers: ClinVar variation 409173 (VCV000409173.14), dbSNP rs375857496, ClinGen allele CA16612654.

ClinVar aggregate classification (germline): Conflicting classifications of pathogenicity. Review status: criteria provided, conflicting classifications (1 of 4 stars). 2 submissions from 2 submitters: Uncertain significance (1); Benign (1). Last evaluated 2025-11-11.

Conditions:
Gorlin syndrome. Also called: Nevoid Basal Cell Carcinoma Syndrome; Basal cell nevus syndrome. Identifiers: Orphanet 377, MedGen C0004779, MONDO:0007187.
Hereditary cancer-predisposing syndrome. Also called: Hereditary neoplastic syndrome; Neoplastic Syndromes, Hereditary; Tumor predisposition; Hereditary Cancer Syndrome. Identifiers: Orphanet 140162, MedGen C0027672, MeSH D009386, MONDO:0015356.

Submissions (2):

Labcorp Genetics (formerly Invitae), Labcorp
Classification: Benign for Gorlin syndrome. Last evaluated: 2025-11-11. Review status: criteria provided, single submitter. Criteria: Invitae Variant Classification Sherloc (09022015). Collection method: clinical testing. Allele origin: germline.

Ambry Genetics
Classification: Uncertain significance for Hereditary cancer-predisposing syndrome. Last evaluated: 2025-10-22. Review status: criteria provided, single submitter. Criteria: Ambry Variant Classification Scheme 2023. Collection method: clinical testing. Allele origin: germline.
Comment: The p.G1248A variant (also known as c.3743G>C), located in coding exon 22 of the PTCH1 gene, results from a G to C substitution at nucleotide position 3743. The glycine at codon 1248 is replaced by alanine, an amino acid with similar properties. This amino acid position is not well conserved in available vertebrate species. In addition, this alteration is predicted to be tolerated by in silico analysis. Since supporting evidence is limited at this time, the clinical significance of this alteration remains unclear.